The following is an entry in ClinVar:

NM_003640.5(ELP1):c.3573-2A>T

Gene: ELP1 (elongator acetyltransferase complex subunit 1; minus strand). Cytogenetic location: 9q31.3.
Variant type: single nucleotide variant.
Coding change: c.3573-2A>T on transcript NM_003640.5 (MANE Select); the canonical splice acceptor site of the intron before coding-DNA position 3573, A replaced by T.
Molecular consequence: splice acceptor variant.
Genome position (GRCh38, 1-based): chr9:108,878,752, T>A on the plus strand (A>T on the coding strand, the complement: ELP1 is on the minus strand). VCF-style: chr9-108878752-T-A. GRCh37 (hg19) VCF-style: chr9-111641032-T-A.
Other names: c.3231-2A>T (NM_001318360.2); c.2526-2A>T (NM_001330749.2).
Identifiers: ClinVar variation 4067265 (VCV004067265.2).

ClinVar aggregate classification (germline): Likely pathogenic (1 of 4 stars; one submission).

Conditions:
Familial dysautonomia. Also called: FD; HSAN III. Identifiers: Orphanet 1764, MedGen C0013364, MONDO:0009131, OMIM 223900. Disease mechanism: loss of function.

gnomAD v4.1: 1 of 1,613,930 alleles (0.000062%); highest among the groups gnomAD compares: Non-Finnish European, 0.000085%; no homozygotes.

Submission:

Natera, Inc.
Classification: Likely pathogenic for Familial dysautonomia. Last evaluated: 2025-03-11. Review status: criteria provided, single submitter. Criteria: Natera Variant Classification Schema (03/2026). Collection method: clinical testing. Allele origin: germline.
Comment: The c.3573-2A>T variant in ELP1 is a canonical splice acceptor site variant predicted to affect pre-mRNA splicing, which may result in an abnormal transcript and altered protein product. This variant is expected to result in nonsense mediated decay, truncation, or a dysfunctional protein product. This variant is rare in the general population with a frequency below the threshold expected for the associated phenotype(s). Given the available evidence, this variant is classified as Likely Pathogenic.